The following is an entry in ClinVar:

ClinVar aggregate classification (germline): Uncertain significance (1 of 4 stars; one submission).

Allele frequency attached by ClinVar (database versions not stated): gnomAD exomes below 0.00001; TOPMed 0.00001.
gnomAD v4.1: 3 of 1,614,086 alleles (0.00019%); highest among the groups gnomAD compares: African/African-American, 0.004%; no homozygotes.

Submission:

Labcorp Genetics (formerly Invitae), Labcorp
Classification: Uncertain significance. Last evaluated: 2022-12-16. Review status: criteria provided, single submitter. Criteria: Invitae Variant Classification Sherloc (09022015). Collection method: clinical testing. Allele origin: germline.
Comment: In summary, the available evidence is currently insufficient to determine the role of this variant in disease. Therefore, it has been classified as a Variant of Uncertain Significance. Algorithms developed to predict the effect of missense changes on protein structure and function are either unavailable or do not agree on the potential impact of this missense change (SIFT: "Tolerated"; PolyPhen-2: "Possibly Damaging"; Align-GVGD: "Class C0"). This variant has not been reported in the literature in individuals affected with IRF2BP2-related conditions. This variant is present in population databases (no rsID available, gnomAD 0.01%). This sequence change replaces arginine, which is basic and polar, with glutamine, which is neutral and polar, at codon 411 of the IRF2BP2 protein (p.Arg411Gln).

NM_182972.3(IRF2BP2):c.1232G>A (p.Arg411Gln)

Gene: IRF2BP2 (interferon regulatory factor 2 binding protein 2; minus strand). Cytogenetic location: 1q42.3.
Variant type: single nucleotide variant.
Coding change: c.1232G>A on transcript NM_182972.3 (MANE Select); coding-DNA position 1232, G replaced by A.
Protein change: p.Arg411Gln; replaces arginine 411 with glutamine.
Molecular consequence: missense variant.
Genome position (GRCh38, 1-based): chr1:234,607,669, C>T on the plus strand (G>A on the coding strand, the complement: IRF2BP2 is on the minus strand). VCF-style: chr1-234607669-C-T. GRCh37 (hg19) VCF-style: chr1-234743415-C-T.
Other names: c.1184G>A, p.Arg395Gln (NM_001077397.1); short protein forms R411Q, R395Q.
Identifiers: ClinVar variation 2785746 (VCV002785746.3), dbSNP rs1207051481, ClinGen allele CA345306620.